The following is an entry in ClinVar:

ClinVar aggregate classification (germline): Uncertain significance. Review status: criteria provided, multiple submitters, no conflicts (2 of 4 stars). 2 submissions from 2 submitters: Uncertain significance (2). Last evaluated 2025-08-30.

Conditions:
Inborn genetic diseases. Identifiers: MedGen C0950123, MeSH D030342.
MASA syndrome. Also called: MENTAL RETARDATION, APHASIA, SHUFFLING GAIT, AND ADDUCTED THUMBS; ADDUCTED THUMB WITH MENTAL RETARDATION; CLASPED THUMB AND MENTAL RETARDATION; GAREIS-MASON SYNDROME; CRASH syndrome; MASA Syndrome (Mental Retardation, Adducted Thumbs, Shuffling Gait, and Aphasia). Identifiers: Orphanet 2466, MedGen C0795953, MONDO:0010559, OMIM 303350.

Allele frequency attached by ClinVar (database versions not stated): gnomAD exomes below 0.00001.
gnomAD v4.1: 1 of 1,211,463 alleles (0.000083%); highest among the groups gnomAD compares: Non-Finnish European, 0.00011%; no homozygotes.

Submissions (2):

Ambry Genetics
Classification: Uncertain significance for Inborn genetic diseases. Last evaluated: 2025-08-30. Review status: criteria provided, single submitter. Criteria: Ambry Variant Classification Scheme 2023. Collection method: clinical testing. Allele origin: germline.

Baylor Genetics
Classification: Uncertain significance for MASA syndrome. Last evaluated: 2020-02-17. Review status: criteria provided, single submitter. Criteria: ACMG Guidelines, 2015. Collection method: clinical testing. Allele origin: unknown. Affected: yes.
Comment: This variant was determined to be of uncertain significance according to ACMG Guidelines, 2015 [PMID:25741868].

NM_001278116.2(L1CAM):c.2599C>T (p.His867Tyr)

Gene: L1CAM (L1 cell adhesion molecule; minus strand). Cytogenetic location: Xq28.
Variant type: single nucleotide variant.
Coding change: c.2599C>T on transcript NM_001278116.2 (MANE Select); coding-DNA position 2599, C replaced by T.
Protein change: p.His867Tyr; replaces histidine 867 with tyrosine.
Molecular consequence: missense variant.
Genome position (GRCh38, 1-based): chrX:153,865,449, G>A on the plus strand (C>T on the coding strand, the complement: L1CAM is on the minus strand). VCF-style: chrX-153865449-G-A. GRCh37 (hg19) VCF-style: chrX-153130904-G-A.
Other names: c.2599C>T, p.His867Tyr (NM_000425.5, NM_024003.3); c.2584C>T, p.His862Tyr (NM_001143963.2); c.2599C>T (NM_000425.3); short protein forms H862Y, H867Y.
Identifiers: ClinVar variation 1030785 (VCV001030785.2), dbSNP rs2064704352, ClinGen allele CA415116464.